The following is an entry in ClinVar:

NM_002234.4(KCNA5):c.156G>T (p.Lys52Asn)

Gene: KCNA5 (potassium voltage-gated channel subfamily A member 5; plus strand). Cytogenetic location: 12p13.32.
Variant type: single nucleotide variant.
Coding change: c.156G>T on transcript NM_002234.4 (MANE Select); coding-DNA position 156, G replaced by T.
Protein change: p.Lys52Asn; replaces lysine 52 with asparagine.
Molecular consequence: missense variant.
Genome position (GRCh38, 1-based): chr12:5,044,303, G>T. VCF-style: chr12-5044303-G-T. GRCh37 (hg19) VCF-style: chr12-5153469-G-T.
Other names: short protein forms K52N.
Identifiers: ClinVar variation 957629 (VCV000957629.9), dbSNP rs768347248, ClinGen allele CA6399551.
Genomic context (GRCh38, chr12:5,044,303, plus strand): 5'-AGAGCTCCAGTGTCCCCCGACGGCTGGGCTCAGCGATGGGCCCAAGGAGCCGGCGCCAAA[G>T]GGGCGCGGCGCGCAGAGAGACGCGGACTCGGGAGTGCGGCCCTTGCCTCCGCTGCCGGAC-3'
Protein context (NP_002225.2, residues 42-62): LSDGPKEPAP[Lys52Asn]GRGAQRDADS

ClinVar aggregate classification (germline): Uncertain significance (1 of 4 stars; one submission).

Conditions:
Atrial fibrillation, familial, 7 (ATFB7). Identifiers: MedGen C2677106, MONDO:0012828, OMIM 612240.

Allele frequency attached by ClinVar (database versions not stated): ExAC below 0.00001; gnomAD exomes 0.00001 and 0.00002; TOPMed 0.00001.
gnomAD v4.1: 5 of 1,548,944 alleles (0.00032%); highest among the groups gnomAD compares: East Asian, 0.012%; no homozygotes.

Submission:

Labcorp Genetics (formerly Invitae), Labcorp
Classification: Uncertain significance for Atrial fibrillation, familial, 7. Last evaluated: 2025-09-20. Review status: criteria provided, single submitter. Criteria: Invitae Variant Classification Sherloc (09022015). Collection method: clinical testing. Allele origin: germline.
Comment: This sequence change replaces lysine, which is basic and polar, with asparagine, which is neutral and polar, at codon 52 of the KCNA5 protein (p.Lys52Asn). The frequency data for this variant in the population databases is considered unreliable, as metrics indicate poor data quality at this position in the gnomAD database. This variant has not been reported in the literature in individuals affected with KCNA5-related conditions. ClinVar contains an entry for this variant (Variation ID: 957629). An algorithm developed to predict the effect of missense changes on protein structure and function (PolyPhen-2) suggests that this variant is likely to be tolerated. In summary, the available evidence is currently insufficient to determine the role of this variant in disease. Therefore, it has been classified as a Variant of Uncertain Significance.